The following is an entry in ClinVar:

NM_020779.4(WDR35):c.31A>G (p.Ile11Val)

Gene: WDR35 (WD repeat domain 35; minus strand). Cytogenetic location: 2p24.1.
Variant type: single nucleotide variant.
Coding change: c.31A>G on transcript NM_020779.4 (MANE Select); coding-DNA position 31, A replaced by G.
Protein change: p.Ile11Val; replaces isoleucine 11 with valine.
Molecular consequence: missense variant.
Genome position (GRCh38, 1-based): chr2:19,989,276, T>C on the plus strand (A>G on the coding strand, the complement: WDR35 is on the minus strand). VCF-style: chr2-19989276-T-C. GRCh37 (hg19) VCF-style: chr2-20189037-T-C.
Other names: c.31A>G, p.Ile11Val (NM_001006657.2); short protein forms I11V.
Identifiers: ClinVar variation 3370210 (VCV003370210.1).

ClinVar aggregate classification (germline): Uncertain significance (1 of 4 stars; one submission).

Submission:

GeneDx
Classification: Uncertain significance. Last evaluated: 2023-12-29. Review status: criteria provided, single submitter. Criteria: GeneDx Variant Classification Process June 2021. Collection method: clinical testing. Allele origin: germline. Affected: yes.
Comment: Not observed at significant frequency in large population cohorts (gnomAD); In silico analysis supports that this missense variant does not alter protein structure/function; Has not been previously published as pathogenic or benign to our knowledge